The following is an entry in ClinVar:

NM_005591.4(MRE11):c.1408A>G (p.Ile470Val)

Gene: MRE11 (MRE11 double strand break repair nuclease; minus strand). Cytogenetic location: 11q21.
Variant type: single nucleotide variant.
Coding change: c.1408A>G on transcript NM_005591.4 (MANE Select); coding-DNA position 1408, A replaced by G.
Protein change: p.Ile470Val; replaces isoleucine 470 with valine.
Molecular consequence: missense variant.
Genome position (GRCh38, 1-based): chr11:94,459,500, T>C on the plus strand (A>G on the coding strand, the complement: MRE11 is on the minus strand). VCF-style: chr11-94459500-T-C. GRCh37 (hg19) VCF-style: chr11-94192666-T-C.
Other names: c.1408A>G, p.Ile470Val (NM_001330347.2, NM_005590.4); short protein forms I470V.
Identifiers: ClinVar variation 481752 (VCV000481752.11), dbSNP rs1555009360, ClinGen allele CA382371880.

ClinVar aggregate classification (germline): Uncertain significance. Review status: criteria provided, multiple submitters, no conflicts (2 of 4 stars). 2 submissions from 2 submitters: Uncertain significance (2). Last evaluated 2021-09-02.

Conditions:
Hereditary cancer-predisposing syndrome. Also called: Neoplastic Syndromes, Hereditary; Tumor predisposition; Hereditary Cancer Syndrome; Hereditary neoplastic syndrome. Identifiers: Orphanet 140162, MedGen C0027672, MeSH D009386, MONDO:0015356.
Ataxia-telangiectasia-like disorder (ATLD). Identifiers: MedGen C1858391, MONDO:0011457.

Allele frequency attached by ClinVar (database versions not stated): gnomAD exomes below 0.00001.
gnomAD v4.1: 2 of 1,614,070 alleles (0.00012%); highest among the groups gnomAD compares: South Asian, 0.0011%; no homozygotes.

Submissions (2):

Labcorp Genetics (formerly Invitae), Labcorp
Classification: Uncertain significance for Ataxia-telangiectasia-like disorder. Last evaluated: 2021-09-02. Review status: criteria provided, single submitter. Criteria: Invitae Variant Classification Sherloc (09022015). Collection method: clinical testing. Allele origin: germline.
Comment: This sequence change replaces isoleucine with valine at codon 470 of the MRE11 protein (p.Ile470Val). The isoleucine residue is moderately conserved and there is a small physicochemical difference between isoleucine and valine. This variant is not present in population databases (ExAC no frequency). This variant has not been reported in the literature in individuals affected with MRE11-related conditions. Algorithms developed to predict the effect of missense changes on protein structure and function are either unavailable or do not agree on the potential impact of this missense change (SIFT: "Tolerated"; PolyPhen-2: "Possibly Damaging"; Align-GVGD: "Class C0"). In summary, the available evidence is currently insufficient to determine the role of this variant in disease. Therefore, it has been classified as a Variant of Uncertain Significance.

Ambry Genetics
Classification: Uncertain significance for Hereditary cancer-predisposing syndrome. Last evaluated: 2016-03-24. Review status: criteria provided, single submitter. Criteria: Ambry Variant Classification Scheme 2023. Collection method: clinical testing. Allele origin: germline.
Comment: The p.I470V variant (also known as c.1408A>G), located in coding exon 12 of the MRE11A gene, results from an A to G substitution at nucleotide position 1408. The isoleucine at codon 470 is replaced by valine, an amino acid with highly similar properties. This variant was not reported in population based cohorts in the following databases: Database of Single Nucleotide Polymorphisms (dbSNP), NHLBI Exome Sequencing Project (ESP), and 1000 Genomes Project. In the ESP, this variant was not observed in 6499 samples (12998 alleles) with coverage at this position. To date, this alteration has been detected with an allele frequency of approximately 0.001% (greater than 120000 alleles tested) in our clinical cohort. This amino acid position is highly conserved in available vertebrate species. In addition, this alteration is predicted to be tolerated by in silico analysis. Since supporting evidence is limited at this time, the clinical significance of this alteration remains unclear.